The following is an entry in ClinVar:

NM_001160148.2(DDHD1):c.1787G>A (p.Arg596Gln)

Gene: DDHD1 (DDHD domain containing 1; minus strand). Cytogenetic location: 14q22.1.
Variant type: single nucleotide variant.
Coding change: c.1787G>A on transcript NM_001160148.2 (MANE Select); coding-DNA position 1787, G replaced by A.
Protein change: p.Arg596Gln; replaces arginine 596 with glutamine.
Molecular consequence: missense variant.
Genome position (GRCh38, 1-based): chr14:53,061,181, C>T on the plus strand (G>A on the coding strand, the complement: DDHD1 is on the minus strand). VCF-style: chr14-53061181-C-T. GRCh37 (hg19) VCF-style: chr14-53527899-C-T.
Other names: c.1808G>A, p.Arg603Gln (NM_001160147.2); c.1787G>A, p.Arg596Gln (NM_030637.3); c.1787G>A (NM_001160148.1); short protein forms R596Q, R603Q.
Identifiers: ClinVar variation 2042013 (VCV002042013.2), dbSNP rs376878596, ClinGen allele CA7191130.
Genomic context (GRCh38, chr14:53,061,181, plus strand): 5'-CTTACCTTAAATTTTAAGGCAGGTGTTTGTGTCATAGATGATGCTTTCAATCCGTGAAGC[C>T]GTTCTTCTATTTCCTTCAGCCTAAGAAGGGGTATGAGATTATATACACACACGTATTTAT-3'
Protein context (NP_001153620.1, residues 586-606): TKRRLKEIEE[Arg596Gln]LHGLKASSMT

ClinVar aggregate classification (germline): Uncertain significance. Review status: criteria provided, multiple submitters, no conflicts (2 of 4 stars). 2 submissions from 2 submitters: Uncertain significance (2). Last evaluated 2025-04-15.

Conditions:
Inborn genetic diseases. Identifiers: MedGen C0950123, MeSH D030342.
Hereditary spastic paraplegia 28. Also called: Spastic paraplegia 28, autosomal recessive. Identifiers: Orphanet 101008, MedGen C1836295, MONDO:0012256, OMIM 609340.

Allele frequency attached by ClinVar (database versions not stated): gnomAD 0.00005; TOPMed 0.00005; gnomAD exomes 0.00008; ExAC 0.00002; ESP Exome Variant Server 0.00008.

Submissions (2):

Ambry Genetics
Classification: Uncertain significance for Inborn genetic diseases. Last evaluated: 2025-04-15. Review status: criteria provided, single submitter. Criteria: Ambry Variant Classification Scheme 2023. Collection method: clinical testing. Allele origin: germline.

Labcorp Genetics (formerly Invitae), Labcorp
Classification: Uncertain significance for Hereditary spastic paraplegia 28. Last evaluated: 2022-08-13. Review status: criteria provided, single submitter. Criteria: Invitae Variant Classification Sherloc (09022015). Collection method: clinical testing. Allele origin: germline.
Comment: This sequence change replaces arginine, which is basic and polar, with glutamine, which is neutral and polar, at codon 603 of the DDHD1 protein (p.Arg603Gln). This variant is present in population databases (rs376878596, gnomAD 0.01%). This variant has not been reported in the literature in individuals affected with DDHD1-related conditions. Algorithms developed to predict the effect of missense changes on protein structure and function output the following: SIFT: "Tolerated"; PolyPhen-2: "Benign"; Align-GVGD: "Class C0". The glutamine amino acid residue is found in multiple mammalian species, which suggests that this missense change does not adversely affect protein function. In summary, the available evidence is currently insufficient to determine the role of this variant in disease. Therefore, it has been classified as a Variant of Uncertain Significance.